The following is an entry in ClinVar:

NM_020719.3(PRR12):c.3818A>G (p.Lys1273Arg)

Gene: PRR12 (proline rich 12; plus strand). Cytogenetic location: 19q13.33.
Variant type: single nucleotide variant.
Coding change: c.3818A>G on transcript NM_020719.3 (MANE Select); coding-DNA position 3818, A replaced by G.
Protein change: p.Lys1273Arg; replaces lysine 1273 with arginine.
Molecular consequence: missense variant.
Genome position (GRCh38, 1-based): chr19:49,599,411, A>G. VCF-style: chr19-49599411-A-G. GRCh37 (hg19) VCF-style: chr19-50102668-A-G.
Other names: short protein forms K1273R.
Identifiers: ClinVar variation 3339474 (VCV003339474.1).
Genomic context (GRCh38, chr19:49,599,411, plus strand): 5'-GCCTGGACTCGAGCCTGACTCGGGAGAAGATCGAGGCCAAGATTAAGGAGGTGGAGGAGA[A>G]GCAGCCGGAGATGAAGTCGGGTTTCATGGCCTCCTTCTTGGACTTCCTCAAGTCAGGCAA-3'
Protein context (NP_065770.1, residues 1263-1283): IEAKIKEVEE[Lys1273Arg]QPEMKSGFMA

ClinVar aggregate classification (germline): Uncertain significance (1 of 4 stars; one submission).

gnomAD v4.1: 8 of 1,611,404 alleles (0.0005%); highest among the groups gnomAD compares: Non-Finnish European, 0.00068%; no homozygotes.

Submission:

Women's Health and Genetics/Laboratory Corporation of America, LabCorp
Classification: Uncertain significance. Last evaluated: 2024-07-17. Review status: criteria provided, single submitter. Criteria: LabCorp Variant Classification Summary - May 2015. Collection method: clinical testing. Allele origin: germline.
Comment: Variant summary: PRR12 c.3818A>G (p.Lys1273Arg) results in a conservative amino acid change in the encoded protein sequence. Three of five in-silico tools predict a benign effect of the variant on protein function. The variant was absent in 243314 control chromosomes. The available data on variant occurrences in the general population are insufficient to allow any conclusion about variant significance. To our knowledge, no occurrence of c.3818A>G in individuals affected with Neuroocular Syndrome and no experimental evidence demonstrating its impact on protein function have been reported. No submitters have cited clinical-significance assessments for this variant to ClinVar. Based on the evidence outlined above, the variant was classified as uncertain significance.